The following is an entry in ClinVar:

NM_014813.3(LRIG2):c.6G>C (p.Ala2=)

Gene: LRIG2 (leucine rich repeats and immunoglobulin like domains 2; plus strand). Cytogenetic location: 1p13.2.
Variant type: single nucleotide variant.
Coding change: c.6G>C on transcript NM_014813.3 (MANE Select); coding-DNA position 6, G replaced by C.
Protein change: p.Ala2=; no amino-acid change (alanine 2 retained).
Molecular consequence: synonymous variant. On other transcripts: 5 prime UTR variant (1).
Genome position (GRCh38, 1-based): chr1:113,073,412, G>C. VCF-style: chr1-113073412-G-C. GRCh37 (hg19) VCF-style: chr1-113616034-G-C.
Other names: p.Ala2=; c.-416G>C (NM_001312686.2).
Identifiers: ClinVar variation 714080 (VCV000714080.9), dbSNP rs140301079, ClinGen allele CA1011561.

ClinVar aggregate classification (germline): Likely benign. Review status: criteria provided, multiple submitters, no conflicts (2 of 4 stars). 6 submissions from 6 submitters: Likely benign (4). 2 of the submissions do not count toward it. Last evaluated 2025-09-28.

Allele frequency attached by ClinVar (database versions not stated): gnomAD 0.00056 and 0.00060; 1000 Genomes Project 0.00060; 1000 Genomes Project 30x 0.00062; ESP Exome Variant Server 0.00069; TOPMed 0.00074; ExAC 0.00091; gnomAD exomes 0.00106.
gnomAD v4.1: 1,158 of 1,613,456 alleles (0.072%); highest among the groups gnomAD compares: Middle Eastern, 3.1%; 11 homozygotes.

Submissions (6):

Mayo Clinic Laboratories, Mayo Clinic
Classification: Likely benign. Last evaluated: 2025-09-28. Review status: criteria provided, single submitter. Criteria: ACMG Guidelines, 2015. Collection method: clinical testing. Allele origin: germline. Observed: 1 variant allele.
Comment: BP4, BP7

Blueprint Genetics
Classification: Likely benign. Last evaluated: 2024-11-14. Review status: criteria provided, single submitter. Criteria: ACMG Guidelines, 2015. Collection method: clinical testing. Allele origin: germline.

Labcorp Genetics (formerly Invitae), Labcorp
Classification: Likely benign. Last evaluated: 2019-12-31. Review status: criteria provided, single submitter. Criteria: Invitae Variant Classification Sherloc (09022015). Collection method: clinical testing. Allele origin: germline.

Breakthrough Genomics
Classification: Likely benign. Review status: criteria provided, single submitter. Criteria: ACMG Guidelines, 2015. Collection method: not provided. Allele origin: germline. Inheritance: Autosomal recessive inheritance. Affected: yes.

Clinical Genetics DNA and cytogenetics Diagnostics Lab, Erasmus MC, Erasmus Medical Center
Classification: Likely benign. Review status: no assertion criteria provided. Collection method: clinical testing. Allele origin: germline. Affected: yes. Study: VKGL Data-share Consensus. Not counted in ClinVar's aggregate classification.

Genome Diagnostics Laboratory, University Medical Center Utrecht
Classification: Likely benign. Review status: no assertion criteria provided. Collection method: clinical testing. Allele origin: germline. Affected: yes. Study: VKGL Data-share Consensus. Not counted in ClinVar's aggregate classification.